The following is an entry in ClinVar:

NM_001211.6(BUB1B):c.1546C>G (p.Gln516Glu)

Gene: BUB1B (BUB1 mitotic checkpoint serine/threonine kinase B; plus strand). Cytogenetic location: 15q15.1.
Variant type: single nucleotide variant.
Coding change: c.1546C>G on transcript NM_001211.6 (MANE Select); coding-DNA position 1546, C replaced by G.
Protein change: p.Gln516Glu; replaces glutamine 516 with glutamic acid.
Molecular consequence: missense variant.
Genome position (GRCh38, 1-based): chr15:40,200,959, C>G. VCF-style: chr15-40200959-C-G. GRCh37 (hg19) VCF-style: chr15-40493160-C-G.
Other names: short protein forms Q516E.
Identifiers: ClinVar variation 1414212 (VCV001414212.8), dbSNP rs1384516309, ClinGen allele CA391690759.

ClinVar aggregate classification (germline): Uncertain significance. Review status: criteria provided, multiple submitters, no conflicts (2 of 4 stars). 2 submissions from 2 submitters: Uncertain significance (2). Last evaluated 2024-01-25.

Conditions:
Inborn genetic diseases. Identifiers: MedGen C0950123, MeSH D030342.
Mosaic variegated aneuploidy syndrome 1 (MVA1). Also called: Warburton-Anyane-Yeboa syndrome. Identifiers: Orphanet 1052, MedGen C1850343, MONDO:0009759, OMIM 257300.

Allele frequency attached by ClinVar (database versions not stated): gnomAD exomes below 0.00001 and 0.00001; TOPMed below 0.00001.
gnomAD v4.1: 18 of 1,613,232 alleles (0.0011%); highest among the groups gnomAD compares: Non-Finnish European, 0.0015%; no homozygotes.

Submissions (2):

Ambry Genetics
Classification: Uncertain significance for Inborn genetic diseases. Last evaluated: 2024-01-25. Review status: criteria provided, single submitter. Criteria: Ambry Variant Classification Scheme 2023. Collection method: clinical testing. Allele origin: germline.
Comment: The p.Q516E variant (also known as c.1546C>G), located in coding exon 12 of the BUB1B gene, results from a C to G substitution at nucleotide position 1546. The glutamine at codon 516 is replaced by glutamic acid, an amino acid with highly similar properties. This amino acid position is conserved. In addition, this alteration is predicted to be tolerated by in silico analysis. Since supporting evidence is limited at this time, the clinical significance of this alteration remains unclear.

Labcorp Genetics (formerly Invitae), Labcorp
Classification: Uncertain significance for Mosaic variegated aneuploidy syndrome 1. Last evaluated: 2021-11-13. Review status: criteria provided, single submitter. Criteria: Invitae Variant Classification Sherloc (09022015). Collection method: clinical testing. Allele origin: germline.
Comment: In summary, the available evidence is currently insufficient to determine the role of this variant in disease. Therefore, it has been classified as a Variant of Uncertain Significance. This sequence change replaces glutamine, which is neutral and polar, with glutamic acid, which is acidic and polar, at codon 516 of the BUB1B protein (p.Gln516Glu). This variant is present in population databases (no rsID available, gnomAD 0.0009%). This variant has not been reported in the literature in individuals affected with BUB1B-related conditions. Algorithms developed to predict the effect of missense changes on protein structure and function (SIFT, PolyPhen-2, Align-GVGD) all suggest that this variant is likely to be tolerated.